The following is an entry in ClinVar:

ClinVar aggregate classification (germline): Likely benign. Review status: criteria provided, multiple submitters, no conflicts (2 of 4 stars). 3 submissions from 3 submitters: Likely benign (2). 1 of the submissions does not count toward it. Last evaluated 2024-02-24.

Conditions:
Fraser syndrome 3. Identifiers: MedGen C4540040, MONDO:0054739, OMIM 617667.
GRIP1-related disorder. Also called: GRIP1-related condition.

Allele frequency attached by ClinVar (database versions not stated): TOPMed 0.00001; gnomAD 0.00003.
gnomAD v4.1: 10 of 1,613,642 alleles (0.00062%); highest among the groups gnomAD compares: African/African-American, 0.0027%; no homozygotes.

Submissions (3):

Labcorp Genetics (formerly Invitae), Labcorp
Classification: Likely benign. Last evaluated: 2024-02-24. Review status: criteria provided, single submitter. Criteria: Invitae Variant Classification Sherloc (09022015). Collection method: clinical testing. Allele origin: germline.

Fulgent Genetics
Classification: Likely benign for Fraser syndrome 3. Last evaluated: 2022-02-01. Review status: criteria provided, single submitter. Criteria: ACMG Guidelines, 2015. Collection method: clinical testing. Allele origin: unknown.

PreventionGenetics, part of Exact Sciences
Classification: Likely benign for GRIP1-related condition. Last evaluated: 2021-11-17. Review status: no assertion criteria provided. Collection method: clinical testing. Allele origin: germline. Not counted in ClinVar's aggregate classification.
Comment: This variant is classified as likely benign based on ACMG/AMP sequence variant interpretation guidelines (Richards et al. 2015 PMID: 25741868, with internal and published modifications).

NM_001366722.1(GRIP1):c.162C>T (p.Val54=)

Gene: GRIP1 (glutamate receptor interacting protein 1; minus strand). Cytogenetic location: 12q14.3.
Variant type: single nucleotide variant.
Coding change: c.162C>T on transcript NM_001366722.1 (MANE Select); coding-DNA position 162, C replaced by T.
Protein change: p.Val54=; no amino-acid change (valine 54 retained).
Molecular consequence: synonymous variant.
Genome position (GRCh38, 1-based): chr12:66,541,925, G>A on the plus strand (C>T on the coding strand, the complement: GRIP1 is on the minus strand). VCF-style: chr12-66541925-G-A. GRCh37 (hg19) VCF-style: chr12-66935705-G-A.
Other names: c.162C>T, p.Val54= (NM_001178074.2, NM_021150.4); c.240C>T, p.Val80= (NM_001366723.1, NM_001366724.1).
Identifiers: ClinVar variation 718093 (VCV000718093.10), dbSNP rs759704197, ClinGen allele CA239016930.